The following is an entry in ClinVar:

ClinVar aggregate classification (germline): Uncertain significance (1 of 4 stars; one submission).

Conditions:
Fanconi anemia (FA). Also called: Fanconi's anemia. Identifiers: Orphanet 84, MedGen C0015625, MeSH D005199, MONDO:0019391.

Submission:

Labcorp Genetics (formerly Invitae), Labcorp
Classification: Uncertain significance for Fanconi anemia. Last evaluated: 2023-12-10. Review status: criteria provided, single submitter. Criteria: Invitae Variant Classification Sherloc (09022015). Collection method: clinical testing. Allele origin: germline.
Comment: This sequence change replaces asparagine, which is neutral and polar, with lysine, which is basic and polar, at codon 8 of the FANCA protein (p.Asn8Lys). This variant is not present in population databases (gnomAD no frequency). This variant has not been reported in the literature in individuals affected with FANCA-related conditions. Advanced modeling of protein sequence and biophysical properties (such as structural, functional, and spatial information, amino acid conservation, physicochemical variation, residue mobility, and thermodynamic stability) performed at Invitae indicates that this missense variant is not expected to disrupt FANCA protein function with a negative predictive value of 95%. In summary, the available evidence is currently insufficient to determine the role of this variant in disease. Therefore, it has been classified as a Variant of Uncertain Significance.

NM_000135.4(FANCA):c.24C>A (p.Asn8Lys)

Genes: FANCA (FA complementation group A; minus strand), LOC112486223 (Sharpr-MPRA regulatory region 3988; plus strand). Cytogenetic location: 16q24.3.
Variant type: single nucleotide variant.
Coding change: c.24C>A on transcript NM_000135.4 (MANE Select); coding-DNA position 24, C replaced by A.
Protein change: p.Asn8Lys; replaces asparagine 8 with lysine.
Molecular consequence: missense variant.
Genome position (GRCh38, 1-based): chr16:89,816,592, G>T on the plus strand (C>A on the coding strand, the complement: FANCA is on the minus strand). VCF-style: chr16-89816592-G-T. GRCh37 (hg19) VCF-style: chr16-89883000-G-T.
Other names: c.24C>A, p.Asn8Lys (NM_001018112.3, NM_001286167.3, NM_001351830.2); short protein forms N8K.
Identifiers: ClinVar variation 2836013 (VCV002836013.3), dbSNP rs76275444, ClinGen allele CA397484582.
Genomic context (GRCh38, chr16:89,816,592, plus strand): 5'-CCTACCCAGCAGCTCGGCCCAGGCCCTCCGGCGGCCCCCTGGGTCCTGGCCCGAGGCGGA[G>T]TTCGGGACCCACGAGTCGGACATGGCCTTGGCGCCTACAGCCCCGGCGGCGGCTCCCTGC-3'
Protein context (NP_000126.2, residues 1-18): MSDSWVP[Asn8Lys]SASGQDPGGR